The following is an entry in ClinVar:

ClinVar aggregate classification (germline): Uncertain significance (1 of 4 stars; one submission).

Conditions:
Early-infantile DEE. Also called: Ohtahara syndrome; Early infantile epileptic encephalopathy; Early infantile epileptic encephalopathy with suppression bursts. Identifiers: Orphanet 1934, MedGen C0393706, MONDO:0800491.

Allele frequency attached by ClinVar (database versions not stated): gnomAD 0.00001.
gnomAD v4.1: 2 of 150,766 alleles (0.0013%); no homozygotes.

Submission:

Labcorp Genetics (formerly Invitae), Labcorp
Classification: Uncertain significance for Early-infantile DEE. Last evaluated: 2024-05-15. Review status: criteria provided, single submitter. Criteria: Invitae Variant Classification Sherloc (09022015). Collection method: clinical testing. Allele origin: germline.
Comment: This sequence change falls in intron 20 of the SCN1A gene. It does not directly change the encoded amino acid sequence of the SCN1A protein. However, this sequence change falls within a region encompassing a cryptic exon in the SCN1A gene, in which variants have been shown to alter splicing (PMID: 30526861, 34107977). This variant is present in population databases (rs762618716, gnomAD 0.03%). This variant has been observed in individual(s) with clinical features of SCN1A-related conditions (Invitae). ClinVar contains an entry for this variant (Variation ID: 1619674). Algorithms developed to predict the effect of sequence changes on RNA splicing suggest that this variant is not likely to affect RNA splicing. In summary, the available evidence is currently insufficient to determine the role of this variant in disease. Therefore, it has been classified as a Variant of Uncertain Significance.

Literature cited by the submitters: PubMed 30526861; PubMed 34107977.

NM_001165963.4(SCN1A):c.4002+2561T>C

Genes: SCN1A (sodium voltage-gated channel alpha subunit 1; minus strand), LOC102724058 (uncharacterized LOC102724058; plus strand). Cytogenetic location: 2q24.3.
Variant type: single nucleotide variant.
Coding change: c.4002+2561T>C on transcript NM_001165963.4 (MANE Select); 2561 bases into the intron after coding-DNA position 4002, T replaced by C.
Molecular consequence: intron variant.
Genome position (GRCh38, 1-based): chr2:166,007,158, A>G on the plus strand (T>C on the coding strand, the complement: SCN1A is on the minus strand). VCF-style: chr2-166007158-A-G. GRCh37 (hg19) VCF-style: chr2-166863668-A-G.
Other names: c.3969+2561T>C (NM_001353949.2, NM_001353950.2, NM_001353951.2 and 2 more transcripts); c.3918+2561T>C (NM_001353958.2, NM_001353957.2, NM_001165964.3); c.4002+2561T>C (NM_001202435.3, NM_001353948.2); c.3966+2561T>C (NM_001353955.2, NM_001353954.2); c.3915+2561T>C (NM_001353960.2); c.1560+2561T>C (NM_001353961.2).
Identifiers: ClinVar variation 1619674 (VCV001619674.9), dbSNP rs762618716, ClinGen allele CA59771527.